The following is an entry in ClinVar:

NM_015102.5(NPHP4):c.1589C>T (p.Ser530Phe)

Gene: NPHP4 (nephrocystin 4; minus strand). Cytogenetic location: 1p36.31.
Variant type: single nucleotide variant.
Coding change: c.1589C>T on transcript NM_015102.5 (MANE Select); coding-DNA position 1589, C replaced by T.
Protein change: p.Ser530Phe; replaces serine 530 with phenylalanine.
Molecular consequence: missense variant. On other transcripts: non-coding transcript variant (1), intron variant (2).
Genome position (GRCh38, 1-based): chr1:5,907,137, G>A on the plus strand (C>T on the coding strand, the complement: NPHP4 is on the minus strand). VCF-style: chr1-5907137-G-A. GRCh37 (hg19) VCF-style: chr1-5967197-G-A.
Other names: c.76-1354C>T (NM_001291594.2); c.76-1357C>T (NM_001291593.2); short protein forms S530F.
Identifiers: ClinVar variation 1514879 (VCV001514879.8), dbSNP rs1484484784, ClinGen allele CA338056831.

ClinVar aggregate classification (germline): Uncertain significance (1 of 4 stars; one submission).

Conditions:
Nephronophthisis. Also called: Juvenile Nephronophthisis. Identifiers: Orphanet 655, MedGen C0687120, MONDO:0019005, HP:0000090.

Allele frequency attached by ClinVar (database versions not stated): gnomAD exomes below 0.00001 and 0.00001.
gnomAD v4.1: 5 of 1,561,108 alleles (0.00032%); highest among the groups gnomAD compares: Non-Finnish European, 0.00035%; no homozygotes.

Submission:

Labcorp Genetics (formerly Invitae), Labcorp
Classification: Uncertain significance for Nephronophthisis. Last evaluated: 2021-06-29. Review status: criteria provided, single submitter. Criteria: Invitae Variant Classification Sherloc (09022015). Collection method: clinical testing. Allele origin: germline.
Comment: Algorithms developed to predict the effect of missense changes on protein structure and function are either unavailable or do not agree on the potential impact of this missense change (SIFT: "Deleterious"; PolyPhen-2: "Possibly Damaging"; Align-GVGD: "Class C0"). This variant has not been reported in the literature in individuals affected with NPHP4-related conditions. This variant is not present in population databases (ExAC no frequency). This sequence change replaces serine with phenylalanine at codon 530 of the NPHP4 protein (p.Ser530Phe). The serine residue is moderately conserved and there is a large physicochemical difference between serine and phenylalanine. In summary, the available evidence is currently insufficient to determine the role of this variant in disease. Therefore, it has been classified as a Variant of Uncertain Significance.